The following is an entry in ClinVar:

ClinVar aggregate classification (germline): Uncertain significance (1 of 4 stars; one submission).

Submission:

Labcorp Genetics (formerly Invitae), Labcorp
Classification: Uncertain significance. Last evaluated: 2021-12-17. Review status: criteria provided, single submitter. Criteria: Invitae Variant Classification Sherloc (09022015). Collection method: clinical testing. Allele origin: germline.
Comment: This variant has not been reported in the literature in individuals affected with CTNNA1-related conditions. In summary, the available evidence is currently insufficient to determine the role of this variant in disease. Therefore, it has been classified as a Variant of Uncertain Significance. Algorithms developed to predict the effect of missense changes on protein structure and function are either unavailable or do not agree on the potential impact of this missense change (SIFT: "Deleterious"; PolyPhen-2: "Benign"; Align-GVGD: "Class C0"). This variant is not present in population databases (gnomAD no frequency). This sequence change replaces proline, which is neutral and non-polar, with glutamine, which is neutral and polar, at codon 893 of the CTNNA1 protein (p.Pro893Gln).

NM_001903.5(CTNNA1):c.2678C>A (p.Pro893Gln)

Gene: CTNNA1 (catenin alpha 1; plus strand). Cytogenetic location: 5q31.2.
Variant type: single nucleotide variant.
Coding change: c.2678C>A on transcript NM_001903.5 (MANE Select); coding-DNA position 2678, C replaced by A.
Protein change: p.Pro893Gln; replaces proline 893 with glutamine.
Molecular consequence: missense variant. On other transcripts: 3 prime UTR variant (5).
Genome position (GRCh38, 1-based): chr5:138,934,046, C>A. VCF-style: chr5-138934046-C-A. GRCh37 (hg19) VCF-style: chr5-138269735-C-A.
Other names: c.*223C>A (NM_001290307.3, NM_001324002.1, NM_001324003.1 and 2 more transcripts); c.2369C>A, p.Pro790Gln (NM_001290309.3); c.2309C>A, p.Pro770Gln (NM_001290310.3); c.1568C>A, p.Pro523Gln (NM_001290312.1, NM_001323987.1, NM_001323988.1 and 12 more transcripts); c.2678C>A, p.Pro893Gln (NM_001323982.2, NM_001323983.1, NM_001323984.2); c.2651C>A, p.Pro884Gln (NM_001323985.2); c.2585C>A, p.Pro862Gln (NM_001323986.2); c.1433C>A, p.Pro478Gln (NM_001324001.1); and 3 more; short protein forms P410Q, P523Q, P862Q, P492Q, P884Q, P893Q, P442Q, P478Q.
Identifiers: ClinVar variation 1482638 (VCV001482638.6), dbSNP rs973328870, ClinGen allele CA361135754.